The following is an entry in ClinVar:

ClinVar aggregate classification (germline): Uncertain significance. Review status: criteria provided, multiple submitters, no conflicts (2 of 4 stars). 2 submissions from 2 submitters: Uncertain significance (2). Last evaluated 2025-08-13.

Conditions:
Inborn genetic diseases. Identifiers: MedGen C0950123, MeSH D030342.

Allele frequency attached by ClinVar (database versions not stated): TOPMed below 0.00001; ExAC 0.00001; gnomAD exomes 0.00001.
gnomAD v4.1: 9 of 1,608,692 alleles (0.00056%); highest among the groups gnomAD compares: Non-Finnish European, 0.00076%; no homozygotes.

Submissions (2):

Ambry Genetics
Classification: Uncertain significance for Inborn genetic diseases. Last evaluated: 2025-08-13. Review status: criteria provided, single submitter. Criteria: Ambry Variant Classification Scheme 2023. Collection method: clinical testing. Allele origin: germline.

Labcorp Genetics (formerly Invitae), Labcorp
Classification: Uncertain significance. Last evaluated: 2025-03-31. Review status: criteria provided, single submitter. Criteria: Invitae Variant Classification Sherloc (09022015). Collection method: clinical testing. Allele origin: germline.
Comment: This sequence change replaces asparagine, which is neutral and polar, with serine, which is neutral and polar, at codon 485 of the DVL1 protein (p.Asn485Ser). This variant is present in population databases (rs779568971, gnomAD 0.001%). This variant has not been reported in the literature in individuals affected with DVL1-related conditions. ClinVar contains an entry for this variant (Variation ID: 3003468). Invitae Evidence Modeling of protein sequence and biophysical properties (such as structural, functional, and spatial information, amino acid conservation, physicochemical variation, residue mobility, and thermodynamic stability) indicates that this missense variant is not expected to disrupt DVL1 protein function with a negative predictive value of 80%. In summary, the available evidence is currently insufficient to determine the role of this variant in disease. Therefore, it has been classified as a Variant of Uncertain Significance.

NM_001330311.2(DVL1):c.1529A>G (p.Asn510Ser)

Gene: DVL1 (dishevelled segment polarity protein 1; minus strand). Cytogenetic location: 1p36.33.
Variant type: single nucleotide variant.
Coding change: c.1529A>G on transcript NM_001330311.2 (MANE Select); coding-DNA position 1529, A replaced by G.
Protein change: p.Asn510Ser; replaces asparagine 510 with serine.
Molecular consequence: missense variant.
Genome position (GRCh38, 1-based): chr1:1,338,162, T>C on the plus strand (A>G on the coding strand, the complement: DVL1 is on the minus strand). VCF-style: chr1-1338162-T-C. GRCh37 (hg19) VCF-style: chr1-1273542-T-C.
Other names: c.1454A>G, p.Asn485Ser (NM_004421.3); c.1454A>G (NM_004421.2); short protein forms N485S, N510S.
Identifiers: ClinVar variation 3003468 (VCV003003468.4), dbSNP rs779568971, ClinGen allele CA520017.
Genomic context (GRCh38, chr1:1,338,162, plus strand): 5'-GCAGCCGGGTGGGGCAGCGGGGCCAGCGTGTCCTGATCCGAAGTCCCACTGGAGCCACTG[T>C]TGAGGTTCAGGGTGGCGAGATCTGGCGGGGGAGGGTAGGTGAGGGCCGCGGAGGGGCCTC-3'
Protein context (NP_001317240.1, residues 500-520): LCSNLATLNL[Asn510Ser]SGSSGTSDQD